The following is an entry in ClinVar:

NM_015175.3(NBEAL2):c.7111G>A (p.Glu2371Lys)

Gene: NBEAL2 (neurobeachin like 2; plus strand). Cytogenetic location: 3p21.31.
Variant type: single nucleotide variant.
Coding change: c.7111G>A on transcript NM_015175.3 (MANE Select); coding-DNA position 7111, G replaced by A.
Protein change: p.Glu2371Lys; replaces glutamic acid 2371 with lysine.
Molecular consequence: missense variant.
Genome position (GRCh38, 1-based): chr3:47,006,426, G>A. VCF-style: chr3-47006426-G-A. GRCh37 (hg19) VCF-style: chr3-47047916-G-A.
Other names: p.Glu2371Lys; c.7009G>A, p.Glu2337Lys (NM_001365116.2); short protein forms E2337K, E2371K.
Identifiers: ClinVar variation 3379461 (VCV003379461.1).
Genomic context (GRCh38, chr3:47,006,426, plus strand): 5'-GCAGCCCATCGCCTTGCACGCCTGGACACTAACTCACCTAGCATCTTCCAGCACCTGGAC[G>A]AACTCAAGGCATTCTTCGCAGAGGTGAAAGGAAGACAAGACCTCAACTTTATATTCTGTG-3'
Protein context (NP_055990.1, residues 2361-2381): NSPSIFQHLD[Glu2371Lys]LKAFFAEVVS

ClinVar aggregate classification (germline): Uncertain significance (1 of 4 stars; one submission).

gnomAD v4.1: 58 of 1,587,960 alleles (0.0037%); highest among the groups gnomAD compares: Non-Finnish European, 0.0043%; no homozygotes.

Submission:

Mayo Clinic Laboratories, Mayo Clinic
Classification: Uncertain significance. Last evaluated: 2024-05-07. Review status: criteria provided, single submitter. Criteria: ACMG Guidelines, 2015. Collection method: clinical testing. Allele origin: germline. Observed: 1 variant allele.
Comment: BP4, PM1_supporting